The following is an entry in ClinVar:

NM_025074.7(FRAS1):c.439A>G (p.Ser147Gly)

Gene: FRAS1 (Fraser extracellular matrix complex subunit 1; plus strand). Cytogenetic location: 4q21.21.
Variant type: single nucleotide variant.
Coding change: c.439A>G on transcript NM_025074.7 (MANE Select); coding-DNA position 439, A replaced by G.
Protein change: p.Ser147Gly; replaces serine 147 with glycine.
Molecular consequence: missense variant.
Genome position (GRCh38, 1-based): chr4:78,252,521, A>G. VCF-style: chr4-78252521-A-G. GRCh37 (hg19) VCF-style: chr4-79173675-A-G.
Other names: c.439A>G (NM_025074.6); c.439A>G, p.Ser147Gly (NM_001166133.2); short protein forms S147G.
Identifiers: ClinVar variation 2148352 (VCV002148352.3), dbSNP rs770223108, ClinGen allele CA2975942.

ClinVar aggregate classification (germline): Uncertain significance. Review status: criteria provided, multiple submitters, no conflicts (2 of 4 stars). 3 submissions from 3 submitters: Uncertain significance (3). Last evaluated 2025-10-28.

Conditions:
Inborn genetic diseases. Identifiers: MedGen C0950123, MeSH D030342.
Fraser syndrome 1 (FRASRS1). Also called: CRYPTOPHTHALMOS WITH OTHER MALFORMATIONS. Identifiers: Orphanet 2052, MedGen C4551480, MONDO:0054737, OMIM 219000.

Allele frequency attached by ClinVar (database versions not stated): ExAC 0.00001; gnomAD exomes 0.00001; gnomAD 0.00003; TOPMed 0.00003.
gnomAD v4.1: 14 of 1,613,744 alleles (0.00087%); highest among the groups gnomAD compares: Middle Eastern, 0.017%; no homozygotes.

Submissions (3):

Ambry Genetics
Classification: Uncertain significance for Inborn genetic diseases. Last evaluated: 2025-10-28. Review status: criteria provided, single submitter. Criteria: Ambry Variant Classification Scheme 2023. Collection method: clinical testing. Allele origin: germline.

Fulgent Genetics
Classification: Uncertain significance for Fraser syndrome 1. Last evaluated: 2024-01-05. Review status: criteria provided, single submitter. Criteria: ACMG Guidelines, 2015. Collection method: clinical testing. Allele origin: germline.

Labcorp Genetics (formerly Invitae), Labcorp
Classification: Uncertain significance. Last evaluated: 2022-08-31. Review status: criteria provided, single submitter. Criteria: Invitae Variant Classification Sherloc (09022015). Collection method: clinical testing. Allele origin: germline.
Comment: This sequence change replaces serine, which is neutral and polar, with glycine, which is neutral and non-polar, at codon 147 of the FRAS1 protein (p.Ser147Gly). This variant is present in population databases (rs770223108, gnomAD 0.02%). This variant has not been reported in the literature in individuals affected with FRAS1-related conditions. Algorithms developed to predict the effect of missense changes on protein structure and function output the following: SIFT: "Tolerated"; PolyPhen-2: "Benign"; Align-GVGD: "Class C0". The glycine amino acid residue is found in multiple mammalian species, which suggests that this missense change does not adversely affect protein function. In summary, the available evidence is currently insufficient to determine the role of this variant in disease. Therefore, it has been classified as a Variant of Uncertain Significance.